The following is an entry in ClinVar:

NM_025114.4(CEP290):c.6092C>A (p.Ala2031Asp)

Gene: CEP290 (centrosomal protein 290; minus strand). Cytogenetic location: 12q21.32.
Variant type: single nucleotide variant.
Coding change: c.6092C>A on transcript NM_025114.4 (MANE Select); coding-DNA position 6092, C replaced by A.
Protein change: p.Ala2031Asp; replaces alanine 2031 with aspartic acid.
Molecular consequence: missense variant.
Genome position (GRCh38, 1-based): chr12:88,068,565, G>T on the plus strand (C>A on the coding strand, the complement: CEP290 is on the minus strand). VCF-style: chr12-88068565-G-T. GRCh37 (hg19) VCF-style: chr12-88462342-G-T.
Other names: short protein forms A2031D.
Identifiers: ClinVar variation 386950 (VCV000386950.1), dbSNP rs1057522651, ClinGen allele CA16607423.

ClinVar aggregate classification (germline): Likely benign (1 of 4 stars; one submission).

Submission:

GeneDx
Classification: Likely benign. Last evaluated: 2016-06-09. Review status: criteria provided, single submitter. Criteria: GeneDx Variant Classification (06012015). Collection method: clinical testing. Allele origin: germline. Affected: yes.
Comment: This variant is considered likely benign or benign based on one or more of the following criteria: it is a conservative change, it occurs at a poorly conserved position in the protein, it is predicted to be benign by multiple in silico algorithms, and/or has population frequency not consistent with disease.